The following is an entry in ClinVar:

ClinVar aggregate classification (germline): Uncertain significance. Review status: criteria provided, multiple submitters, no conflicts (2 of 4 stars). 2 submissions from 2 submitters: Uncertain significance (2). Last evaluated 2024-07-01.

Conditions:
Developmental delay, hypotonia, musculoskeletal defects, and behavioral abnormalities. Identifiers: MedGen C5562012, MONDO:0859202, OMIM 619595.
Floating-Harbor syndrome (FLHS). Also called: SRCAP-Related Floating-Harbor Syndrome; Short stature with delayed bone age, expressive language delay, a triangular face with a prominent nose and deep-set eyes; Pelletier-Leisti syndrome. Identifiers: Orphanet 2044, MedGen C0729582, MONDO:0007621, OMIM 136140.

gnomAD v4.1: 21 of 1,613,918 alleles (0.0013%); highest among the groups gnomAD compares: South Asian, 0.0055%; no homozygotes.

Submissions (2):

Labcorp Genetics (formerly Invitae), Labcorp
Classification: Uncertain significance. Last evaluated: 2024-07-01. Review status: criteria provided, single submitter. Criteria: Invitae Variant Classification Sherloc (09022015). Collection method: clinical testing. Allele origin: germline.
Comment: This sequence change replaces glycine, which is neutral and non-polar, with arginine, which is basic and polar, at codon 1057 of the SRCAP protein (p.Gly1057Arg). This variant is present in population databases (rs141288104, gnomAD 0.007%). This variant has not been reported in the literature in individuals affected with SRCAP-related conditions. Advanced modeling of protein sequence and biophysical properties (such as structural, functional, and spatial information, amino acid conservation, physicochemical variation, residue mobility, and thermodynamic stability) performed at Invitae indicates that this missense variant is not expected to disrupt SRCAP protein function with a negative predictive value of 80%. In summary, the available evidence is currently insufficient to determine the role of this variant in disease. Therefore, it has been classified as a Variant of Uncertain Significance.

Fulgent Genetics
Classification: Uncertain significance for Floating-Harbor syndrome; Developmental delay, hypotonia, musculoskeletal defects, and behavioral abnormalities. Last evaluated: 2024-04-10. Review status: criteria provided, single submitter. Criteria: ACMG Guidelines, 2015. Collection method: clinical testing. Allele origin: germline.

NM_006662.3(SRCAP):c.3169G>A (p.Gly1057Arg)

Gene: SRCAP (Snf2 related CREBBP activator protein; plus strand). Cytogenetic location: 16p11.2.
Variant type: single nucleotide variant.
Coding change: c.3169G>A on transcript NM_006662.3 (MANE Select); coding-DNA position 3169, G replaced by A.
Protein change: p.Gly1057Arg; replaces glycine 1057 with arginine.
Molecular consequence: missense variant.
Genome position (GRCh38, 1-based): chr16:30,720,894, G>A. VCF-style: chr16-30720894-G-A. GRCh37 (hg19) VCF-style: chr16-30732215-G-A.
Other names: short protein forms G1057R.
Identifiers: ClinVar variation 3580105 (VCV003580105.3).
Genomic context (GRCh38, chr16:30,720,894, plus strand): 5'-ACCCCTGGCCCAGTCCCCCAAGTGCTGCCAGCATCACTGATGGTTTCAGCCTCACCTGCC[G>A]GGCCCCCGCTTATTCCTGCATCTCGGCCTCCTGGCCCTGTCCTCTTGCCTCCACTGCAGC-3'
Protein context (NP_006653.2, residues 1047-1067): ASLMVSASPA[Gly1057Arg]PPLIPASRPP